The following is an entry in ClinVar:

ClinVar aggregate classification (germline): Likely pathogenic (1 of 4 stars; one submission).

Conditions:
Cobblestone lissencephaly without muscular or ocular involvement. Also called: Lissencephaly 5; LEUKOENCEPHALOPATHY WITH VARIABLE CORTICAL BRAIN MALFORMATIONS AND/OR HYDROCEPHALUS. Identifiers: Orphanet 352682, MedGen C3554657, MONDO:0014077, OMIM 615191.

gnomAD v4.1: 48 of 1,599,608 alleles (0.003%); highest among the groups gnomAD compares: South Asian, 0.047%; no homozygotes.

Submission:

First Genomix Gene Laboratory, Genetic Diagnostics Department
Classification: Likely pathogenic for Cobblestone lissencephaly without muscular or ocular involvement. Last evaluated: 2025-07-01. Review status: criteria provided, single submitter. Criteria: ACMG Guidelines, 2015. Collection method: clinical testing. Allele origin: germline. Inheritance: Autosomal recessive inheritance. Affected: no. Observed: 1 variant allele.

NM_002291.3(LAMB1):c.-86-2A>C

Gene: LAMB1 (laminin subunit beta 1; minus strand). Cytogenetic location: 7q31.1.
Variant type: single nucleotide variant.
Coding change: c.-86-2A>C on transcript NM_002291.3 (MANE Select); the canonical splice acceptor site of the intron before 86 bases upstream of the start codon, A replaced by C.
Molecular consequence: splice acceptor variant.
Genome position (GRCh38, 1-based): chr7:108,002,973, T>G on the plus strand (A>C on the coding strand, the complement: LAMB1 is on the minus strand). VCF-style: chr7-108002973-T-G. GRCh37 (hg19) VCF-style: chr7-107643418-T-G.
Identifiers: ClinVar variation 4849325 (VCV004849325.1).